The following is an entry in ClinVar:

ClinVar aggregate classification (germline): Pathogenic (1 of 4 stars; one submission).

Submission:

Labcorp Genetics (formerly Invitae), Labcorp
Classification: Pathogenic. Last evaluated: 2020-08-27. Review status: criteria provided, single submitter. Criteria: Invitae Variant Classification Sherloc (09022015). Collection method: clinical testing. Allele origin: germline.
Comment: For these reasons, this variant has been classified as Pathogenic. Loss-of-function variants in CYP19A1 are known to be pathogenic (PMID: 14602738, 27086564, 27256151). This variant has not been reported in the literature in individuals with CYP19A1-related conditions. This variant is not present in population databases (ExAC no frequency). This sequence change creates a premature translational stop signal (p.Ser363Glufs*19) in the CYP19A1 gene. It is expected to result in an absent or disrupted protein product.

Literature cited by the submitters: PubMed 14602738; PubMed 27086564; PubMed 27256151.

NM_000103.4(CYP19A1):c.1085dup (p.Ser363fs)

Genes: MIR4713HG (MIR4713 host gene; plus strand), PIRC66 (piwi-interacting RNA cluster 66; plus strand), CYP19A1 (cytochrome P450 family 19 subfamily A member 1; minus strand). Cytogenetic location: 15q21.2.
Variant type: Duplication.
Coding change: c.1085dup on transcript NM_000103.4 (MANE Select); coding-DNA position 1085, one base duplicated (A; older notation c.1085dupA).
Protein change: p.Ser363fs; shifts the reading frame from serine 363.
Molecular consequence: frameshift variant.
Genome position (GRCh38, 1-based): chr15:51,212,498, T duplicated on the plus strand (A on the coding strand, the reverse complement: CYP19A1 is on the minus strand). VCF-style (leftmost placement, unchanged base first): chr15-51212497-C-CT. GRCh37 (hg19) VCF-style: chr15-51504694-C-CT.
Other names: c.1085dup, p.Ser363fs (NM_001347248.1, NM_001347249.2, NM_001347250.2 and 7 more transcripts); short protein forms S363fs.
Identifiers: ClinVar variation 1075605 (VCV001075605.7), dbSNP rs2141034530, ClinGen allele CA2499223027.